The following is an entry in ClinVar:

ClinVar aggregate classification (germline): Uncertain significance (1 of 4 stars; one submission).

Submission:

Labcorp Genetics (formerly Invitae), Labcorp
Classification: Uncertain significance. Last evaluated: 2024-06-24. Review status: criteria provided, single submitter. Criteria: Invitae Variant Classification Sherloc (09022015). Collection method: clinical testing. Allele origin: germline.
Comment: This sequence change replaces glutamine, which is neutral and polar, with arginine, which is basic and polar, at codon 447 of the TONSL protein (p.Gln447Arg). This variant is not present in population databases (gnomAD no frequency). This variant has not been reported in the literature in individuals affected with TONSL-related conditions. ClinVar contains an entry for this variant (Variation ID: 1348866). Advanced modeling of protein sequence and biophysical properties (such as structural, functional, and spatial information, amino acid conservation, physicochemical variation, residue mobility, and thermodynamic stability) performed at Invitae indicates that this missense variant is expected to disrupt TONSL protein function with a positive predictive value of 80%. In summary, the available evidence is currently insufficient to determine the role of this variant in disease. Therefore, it has been classified as a Variant of Uncertain Significance.

NM_013432.5(TONSL):c.1340A>G (p.Gln447Arg)

Gene: TONSL (tonsoku like, DNA repair protein; minus strand). Cytogenetic location: 8q24.3.
Variant type: single nucleotide variant.
Coding change: c.1340A>G on transcript NM_013432.5 (MANE Select); coding-DNA position 1340, A replaced by G.
Protein change: p.Gln447Arg; replaces glutamine 447 with arginine.
Molecular consequence: missense variant.
Genome position (GRCh38, 1-based): chr8:144,440,161, T>C on the plus strand (A>G on the coding strand, the complement: TONSL is on the minus strand). VCF-style: chr8-144440161-T-C. GRCh37 (hg19) VCF-style: chr8-145665544-T-C.
Other names: short protein forms Q447R.
Identifiers: ClinVar variation 1348866 (VCV001348866.7), dbSNP rs2129677658, ClinGen allele CA372668148.
Genomic context (GRCh38, chr8:144,440,161, plus strand): 5'-TCATCTTCATCTTCAGCTACACTGAGCTCCCGTAGTCTGGTTTCGGTCTCAGGGGCCTCC[T>C]GGGGCTGCAGCCTCAGCTGCACGGTATGGAGATGCTGCAAGACCTGCCTCTGAGGAGCAG-3'
Protein context (NP_038460.4, residues 437-457): LHTVQLRLQP[Gln447Arg]EAPETETRLR